The following is an entry in ClinVar:

NM_001348716.2(KDM6B):c.3336T>A (p.Ser1112Arg)

Gene: KDM6B (lysine demethylase 6B; plus strand). Cytogenetic location: 17p13.1.
Variant type: single nucleotide variant.
Coding change: c.3336T>A on transcript NM_001348716.2 (MANE Select); coding-DNA position 3336, T replaced by A.
Protein change: p.Ser1112Arg; replaces serine 1112 with arginine.
Molecular consequence: missense variant.
Genome position (GRCh38, 1-based): chr17:7,849,624, T>A. VCF-style: chr17-7849624-T-A. GRCh37 (hg19) VCF-style: chr17-7752942-T-A.
Other names: c.3336T>A, p.Ser1112Arg (NM_001080424.2); short protein forms S1112R.
Identifiers: ClinVar variation 3361559 (VCV003361559.1).
Genomic context (GRCh38, chr17:7,849,624, plus strand): 5'-GCGCTCACTTAGTGAGGGGCCCCCCAAGGAGCTGAAGATCCGGCTCATCAAGGTAGAGAG[T>A]GGTGACAAGGAGACCTTTATCGCCTCTGAGGTGGAAGAGCGGCGGCTGCGCATGGCAGAC-3'
Protein context (NP_001335645.1, residues 1102-1122): ELKIRLIKVE[Ser1112Arg]GDKETFIASE

ClinVar aggregate classification (germline): Uncertain significance (1 of 4 stars; one submission).

gnomAD v4.1: 4 of 1,611,566 alleles (0.00025%); highest among the groups gnomAD compares: African/African-American, 0.0027%; no homozygotes.

Submission:

GeneDx
Classification: Uncertain significance. Last evaluated: 2024-02-08. Review status: criteria provided, single submitter. Criteria: GeneDx Variant Classification Process June 2021. Collection method: clinical testing. Allele origin: germline. Affected: yes.
Comment: Not observed at significant frequency in large population cohorts (gnomAD); In silico analysis supports that this missense variant has a deleterious effect on protein structure/function; Has not been previously published as pathogenic or benign to our knowledge